The following is an entry in ClinVar:

NM_000350.3(ABCA4):c.5616G>A (p.Trp1872Ter)

Gene: ABCA4 (ATP binding cassette subfamily A member 4; minus strand). Cytogenetic location: 1p22.1.
Variant type: single nucleotide variant.
Coding change: c.5616G>A on transcript NM_000350.3 (MANE Select); coding-DNA position 5616, G replaced by A.
Protein change: p.Trp1872Ter; replaces tryptophan 1872 with a stop codon.
Molecular consequence: nonsense.
Genome position (GRCh38, 1-based): chr1:94,010,898, C>T on the plus strand (G>A on the coding strand, the complement: ABCA4 is on the minus strand). VCF-style: chr1-94010898-C-T. GRCh37 (hg19) VCF-style: chr1-94476454-C-T.
Other names: c.5394G>A, p.Trp1798Ter (NM_001425324.1); short protein forms W1872*, W1798*.
Identifiers: ClinVar variation 2907281 (VCV002907281.4), dbSNP rs748184137, ClinGen allele CA957192.

ClinVar aggregate classification (germline): Pathogenic (1 of 4 stars; one submission).

Allele frequency attached by ClinVar (database versions not stated): ExAC 0.00001.

Submission:

Labcorp Genetics (formerly Invitae), Labcorp
Classification: Pathogenic. Last evaluated: 2023-09-29. Review status: criteria provided, single submitter. Criteria: Invitae Variant Classification Sherloc (09022015). Collection method: clinical testing. Allele origin: germline.
Comment: This sequence change creates a premature translational stop signal (p.Trp1872*) in the ABCA4 gene. It is expected to result in an absent or disrupted protein product. Loss-of-function variants in ABCA4 are known to be pathogenic (PMID: 10958761, 24938718, 25312043, 26780318). This variant is present in population databases (rs748184137, gnomAD 0.0009%). This premature translational stop signal has been observed in individual(s) with ABCA4-related conditions (PMID: 30670881). For these reasons, this variant has been classified as Pathogenic.

Literature cited by the submitters: PubMed 10958761; PubMed 24938718; PubMed 25312043; PubMed 26780318; PubMed 30670881.